The following is an entry in ClinVar:

NM_001042492.3(NF1):c.1238C>G (p.Ser413Ter)

Gene: NF1 (neurofibromin 1; plus strand). Cytogenetic location: 17q11.2.
Variant type: single nucleotide variant.
Coding change: c.1238C>G on transcript NM_001042492.3 (MANE Select); coding-DNA position 1238, C replaced by G.
Protein change: p.Ser413Ter; replaces serine 413 with a stop codon.
Molecular consequence: nonsense.
Genome position (GRCh38, 1-based): chr17:31,201,463, C>G. VCF-style: chr17-31201463-C-G. GRCh37 (hg19) VCF-style: chr17-29528481-C-G.
Other names: c.1238C>G, p.Ser413Ter (NM_000267.4, NM_001128147.3); short protein forms S413*.
Identifiers: ClinVar variation 570504 (VCV000570504.16), dbSNP rs1241533665, ClinGen allele CA398997679.
Genomic context (GRCh38, chr17:31,201,463, plus strand): 5'-TTCTATAGATCTGCCTGGCTCAGAATTCACCTTCTACATTTCACTATGTGCTGGTAAATT[C>G]ACTCCATCGAATCATCACCAATGTAAGTCCAAAAGGTATTGCTAAATTACTAAAAAAATT-3'

ClinVar aggregate classification (germline): Pathogenic. Review status: criteria provided, multiple submitters, no conflicts (2 of 4 stars). 4 submissions from 4 submitters: Pathogenic (4). Last evaluated 2023-01-18.

Conditions:
Cardiovascular phenotype. Identifiers: MedGen CN230736.
Hereditary cancer-predisposing syndrome. Also called: Hereditary neoplastic syndrome; Neoplastic Syndromes, Hereditary; Hereditary Cancer Syndrome; Tumor predisposition. Identifiers: Orphanet 140162, MedGen C0027672, MeSH D009386, MONDO:0015356.
Neurofibromatosis, type 1 (NF1). Also called: Peripheral type neurofibromatosis; VON RECKLINGHAUSEN DISEASE; Neurofibromatosis, type I; NEUROFIBROMATOSIS, TYPE I, SOMATIC. Identifiers: Orphanet 636, MedGen C0027831, MONDO:0018975, OMIM 162200. Disease mechanism: loss of function.

Submissions (4):

Labcorp Genetics (formerly Invitae), Labcorp
Classification: Pathogenic for Neurofibromatosis, type 1. Last evaluated: 2023-01-18. Review status: criteria provided, single submitter. Criteria: Invitae Variant Classification Sherloc (09022015). Collection method: clinical testing. Allele origin: germline.
Comment: This premature translational stop signal has been observed in individual(s) with neurofibromatosis, type 1 (PMID: 23656349). This variant is not present in population databases (gnomAD no frequency). This sequence change creates a premature translational stop signal (p.Ser413*) in the NF1 gene. It is expected to result in an absent or disrupted protein product. Loss-of-function variants in NF1 are known to be pathogenic (PMID: 10712197, 23913538). ClinVar contains an entry for this variant (Variation ID: 570504). For these reasons, this variant has been classified as Pathogenic.

Genome-Nilou Lab
Classification: Pathogenic for Neurofibromatosis, type 1. Last evaluated: 2022-03-15. Review status: criteria provided, single submitter. Criteria: ACMG Guidelines, 2015. Collection method: clinical testing. Allele origin: germline. Affected: no.

GeneDx
Classification: Pathogenic. Last evaluated: 2021-06-03. Review status: criteria provided, single submitter. Criteria: GeneDx Variant Classification Process June 2021. Collection method: clinical testing. Allele origin: germline. Affected: yes.
Comment: Nonsense variant predicted to result in protein truncation or nonsense mediated decay in a gene for which loss-of-function is a known mechanism of disease; Not observed at significant frequency in large population cohorts (Lek 2016); Identified in patients with a personal or family history consistent with pathogenic variants in this gene in published literature (van Minkelen 2014, Xu 2014); This variant is associated with the following publications: (PMID: 24789688, 27535533, 23656349)

Ambry Genetics
Classification: Pathogenic for Cardiovascular phenotype; Hereditary cancer-predisposing syndrome. Last evaluated: 2018-12-06. Review status: criteria provided, single submitter. Criteria: Ambry Variant Classification Scheme 2023. Collection method: clinical testing. Allele origin: germline.
Comment: The p.S413* pathogenic mutation (also known as c.1238C>G), located in coding exon 11 of the NF1 gene, results from a C to G substitution at nucleotide position 1238. This changes the amino acid from a serine to a stop codon within coding exon 11. This mutation has been reported in a cohort of 338 unrelated probands with clinically definite or suspected Neurofibromatosis type 1 (NF1) diagnosis (van Minkelen R et al. Clin. Genet., 2014 Apr;85:318-27). It has also been seen in an individual meeting NF1 clinical criteria in another study (Xu W et al. Int. J. Mol. Med., 2014 Jul;34:53-60). In addition to the clinical data presented in the literature, this alteration is expected to result in loss of function by premature protein truncation or nonsense-mediated mRNA decay. As such, this alteration is interpreted as a disease-causing mutation.

Literature cited by the submitters: PubMed 23656349 (cited by Labcorp Genetics (formerly Invitae), Labcorp); PubMed 10712197 (cited by Labcorp Genetics (formerly Invitae), Labcorp); PubMed 23913538 (cited by Labcorp Genetics (formerly Invitae), Labcorp).